The following is an entry in ClinVar:

NM_004304.5(ALK):c.1892G>C (p.Ser631Thr)

Gene: ALK (ALK receptor tyrosine kinase; minus strand). Cytogenetic location: 2p23.2.
Variant type: single nucleotide variant.
Coding change: c.1892G>C on transcript NM_004304.5 (MANE Select); coding-DNA position 1892, G replaced by C.
Protein change: p.Ser631Thr; replaces serine 631 with threonine.
Molecular consequence: missense variant.
Genome position (GRCh38, 1-based): chr2:29,275,422, C>G on the plus strand (G>C on the coding strand, the complement: ALK is on the minus strand). VCF-style: chr2-29275422-C-G. GRCh37 (hg19) VCF-style: chr2-29498288-C-G.
Other names: short protein forms S631T.
Identifiers: ClinVar variation 3524574 (VCV003524574.1).
Genomic context (GRCh38, chr2:29,275,422, plus strand): 5'-GGGGTTGGGGGACAGAGTGCTGGGGTCAGAGTGAACTCACTGGTGAGGTAGCAGTCCAGG[C>G]TGATGGAGATATTGTCAAAAGCCACGATGGCTCTGGATCCTTGTCCCCACCATGCGACCA-3'
Protein context (NP_004295.2, residues 621-641): AIVAFDNISI[Ser631Thr]LDCYLTISGE

ClinVar aggregate classification (germline): Uncertain significance (1 of 4 stars; one submission).

Conditions:
Hereditary cancer-predisposing syndrome. Also called: Hereditary Cancer Syndrome; Hereditary neoplastic syndrome; Tumor predisposition; Neoplastic Syndromes, Hereditary. Identifiers: Orphanet 140162, MedGen C0027672, MeSH D009386, MONDO:0015356.

Submission:

Ambry Genetics
Classification: Uncertain significance for Hereditary cancer-predisposing syndrome. Last evaluated: 2024-09-06. Review status: criteria provided, single submitter. Criteria: Ambry Variant Classification Scheme 2023. Collection method: clinical testing. Allele origin: germline.
Comment: The p.S631T variant (also known as c.1892G>C), located in coding exon 10 of the ALK gene, results from a G to C substitution at nucleotide position 1892. The serine at codon 631 is replaced by threonine, an amino acid with similar properties. This amino acid position is conserved. In addition, this alteration is predicted to be tolerated by in silico analysis. Based on the available evidence, the clinical significance of this variant remains unclear.